The following is an entry in ClinVar:

NM_002103.5(GYS1):c.382C>T (p.Arg128Cys)

Gene: GYS1 (glycogen synthase 1; minus strand). Cytogenetic location: 19q13.33.
Variant type: single nucleotide variant.
Coding change: c.382C>T on transcript NM_002103.5 (MANE Select); coding-DNA position 382, C replaced by T.
Protein change: p.Arg128Cys; replaces arginine 128 with cysteine.
Molecular consequence: missense variant. On other transcripts: non-coding transcript variant (1), intron variant (1).
Genome position (GRCh38, 1-based): chr19:48,987,304, G>A on the plus strand (C>T on the coding strand, the complement: GYS1 is on the minus strand). VCF-style: chr19-48987304-G-A. GRCh37 (hg19) VCF-style: chr19-49490561-G-A.
Other names: c.301-1269C>T (NM_001161587.2); short protein forms R128C.
Identifiers: ClinVar variation 2142432 (VCV002142432.4), dbSNP rs781754385, ClinGen allele CA9563365.

ClinVar aggregate classification (germline): Uncertain significance (1 of 4 stars; one submission).

Conditions:
Glycogen storage disease due to muscle and heart glycogen synthase deficiency. Also called: GSD 0b; MUSCLE GLYCOGEN SYNTHASE DEFICIENCY. Identifiers: Orphanet 137625, MedGen C1969054, MONDO:0012693, OMIM 611556.

Allele frequency attached by ClinVar (database versions not stated): ExAC 0.00002; TOPMed 0.00003; gnomAD 0.00005.
gnomAD v4.1: 20 of 1,612,360 alleles (0.0012%); highest among the groups gnomAD compares: African/African-American, 0.0093%; no homozygotes.

Submission:

Labcorp Genetics (formerly Invitae), Labcorp
Classification: Uncertain significance for Glycogen storage disease due to muscle and heart glycogen synthase deficiency. Last evaluated: 2022-07-14. Review status: criteria provided, single submitter. Criteria: Invitae Variant Classification Sherloc (09022015). Collection method: clinical testing. Allele origin: germline.
Comment: This variant is present in population databases (rs781754385, gnomAD 0.02%). In summary, the available evidence is currently insufficient to determine the role of this variant in disease. Therefore, it has been classified as a Variant of Uncertain Significance. Algorithms developed to predict the effect of missense changes on protein structure and function are either unavailable or do not agree on the potential impact of this missense change (SIFT: "Deleterious"; PolyPhen-2: "Possibly Damaging"; Align-GVGD: "Class C0"). This variant has not been reported in the literature in individuals affected with GYS1-related conditions. This sequence change replaces arginine, which is basic and polar, with cysteine, which is neutral and slightly polar, at codon 128 of the GYS1 protein (p.Arg128Cys).